The following is an entry in ClinVar:

ClinVar aggregate classification (germline): Uncertain significance. Review status: criteria provided, multiple submitters, no conflicts (2 of 4 stars). 3 submissions from 3 submitters: Uncertain significance (3). Last evaluated 2025-08-27.

Conditions:
Hereditary cancer-predisposing syndrome. Also called: Hereditary Cancer Syndrome; Neoplastic Syndromes, Hereditary; Hereditary neoplastic syndrome; Tumor predisposition. Identifiers: Orphanet 140162, MedGen C0027672, MeSH D009386, MONDO:0015356.
Familial adenomatous polyposis 2. Also called: MUTYH Polyposis; MYH-associated polyposis; FAP type 2; MUTYH-associated polyposis; Adenomas, multiple colorectal; MUTYH-related attenuated familial adenomatous polyposis. Identifiers: Orphanet 220460, Orphanet 247798, MedGen C3272841, MONDO:0012041, OMIM 608456.

Allele frequency attached by ClinVar (database versions not stated): gnomAD exomes below 0.00001.
gnomAD v4.1: 6 of 1,614,174 alleles (0.00037%); highest among the groups gnomAD compares: Non-Finnish European, 0.00051%; no homozygotes.

Submissions (3):

Ambry Genetics
Classification: Uncertain significance for Hereditary cancer-predisposing syndrome. Last evaluated: 2025-08-27. Review status: criteria provided, single submitter. Criteria: Ambry Variant Classification Scheme 2023. Collection method: clinical testing. Allele origin: germline.
Comment: The p.S164N variant (also known as c.491G>A), located in coding exon 6 of the MUTYH gene, results from a G to A substitution at nucleotide position 491. The serine at codon 164 is replaced by asparagine, an amino acid with highly similar properties. This amino acid position is conserved. In addition, this alteration is predicted to be tolerated by in silico analysis. Based on the available evidence, the clinical significance of this variant remains unclear.

Labcorp Genetics (formerly Invitae), Labcorp
Classification: Uncertain significance for Familial adenomatous polyposis 2. Last evaluated: 2025-02-20. Review status: criteria provided, single submitter. Criteria: Invitae Variant Classification Sherloc (09022015). Collection method: clinical testing. Allele origin: germline.
Comment: This sequence change replaces serine, which is neutral and polar, with asparagine, which is neutral and polar, at codon 164 of the MUTYH protein (p.Ser164Asn). This variant is not present in population databases (gnomAD no frequency). This variant has not been reported in the literature in individuals affected with MUTYH-related conditions. ClinVar contains an entry for this variant (Variation ID: 560805). An algorithm developed to predict the effect of missense changes on protein structure and function (PolyPhen-2) suggests that this variant is likely to be tolerated. In summary, the available evidence is currently insufficient to determine the role of this variant in disease. Therefore, it has been classified as a Variant of Uncertain Significance.

PreventionGenetics, part of Exact Sciences
Classification: Uncertain significance. Last evaluated: 2017-10-26. Review status: criteria provided, single submitter. Criteria: ACMG Guidelines, 2015. Collection method: clinical testing. Allele origin: germline.

NM_001048174.2(MUTYH):c.407G>A (p.Ser136Asn)

Gene: MUTYH (mutY DNA glycosylase; minus strand). Cytogenetic location: 1p34.1.
Variant type: single nucleotide variant.
Coding change: c.407G>A on transcript NM_001048174.2 (MANE Select); coding-DNA position 407, G replaced by A.
Protein change: p.Ser136Asn; replaces serine 136 with asparagine.
Molecular consequence: missense variant. On other transcripts: non-coding transcript variant (2).
Genome position (GRCh38, 1-based): chr1:45,332,931, C>T on the plus strand (G>A on the coding strand, the complement: MUTYH is on the minus strand). VCF-style: chr1-45332931-C-T. GRCh37 (hg19) VCF-style: chr1-45798603-C-T.
Other names: c.407G>A, p.Ser136Asn (NM_001048171.2, NM_001048173.2, NM_001293195.2); c.410G>A, p.Ser137Asn (NM_001048172.2); c.491G>A, p.Ser164Asn (NM_001128425.2); c.452G>A, p.Ser151Asn (NM_001293190.2); c.440G>A, p.Ser147Asn (NM_001293191.2); c.131G>A, p.Ser44Asn (NM_001293192.2, NM_001293196.2); c.62G>A, p.Ser21Asn (NM_001350650.2, NM_001350651.2); c.482G>A, p.Ser161Asn (NM_012222.3); short protein forms S164N, S136N, S151N, S44N, S137N, S147N, S161N, S21N.
Identifiers: ClinVar variation 560805 (VCV000560805.10), dbSNP rs1557480827, ClinGen allele CA340135939.
Genomic context (GRCh38, chr1:45,332,931, plus strand): 5'-CAGTCCCTCTATTGTTCCTATTTCCCCTACCCTAGGGTGGCTCTCACCTCCAGGGAAGCA[C>T]TGGCCAGGTCCTGCAGTGTAGGCCACTTCTATAGCCACAGGCAGGCAGAAAGAGACAAGG-3'
Protein context (NP_001041639.1, residues 126-146): QKWPTLQDLA[Ser136Asn]ASLEEVNQLW